The following is an entry in ClinVar:

NM_004168.4(SDHA):c.1356C>T (p.Leu452=)

Gene: SDHA (succinate dehydrogenase complex flavoprotein subunit A; plus strand). Cytogenetic location: 5p15.33.
Variant type: single nucleotide variant.
Coding change: c.1356C>T on transcript NM_004168.4 (MANE Select); coding-DNA position 1356, C replaced by T.
Protein change: p.Leu452=; no amino-acid change (leucine 452 retained).
Molecular consequence: synonymous variant.
Genome position (GRCh38, 1-based): chr5:236,523, C>T. VCF-style: chr5-236523-C-T. GRCh37 (hg19) VCF-style: chr5-236638-C-T.
Other names: c.1212C>T, p.Leu404= (NM_001294332.2); c.1356C>T, p.Leu452= (NM_001330758.2).
Identifiers: ClinVar variation 387152 (VCV000387152.37), dbSNP rs748496836, ClinGen allele CA3173205.

ClinVar aggregate classification (germline): Benign/Likely benign. Review status: criteria provided, multiple submitters, no conflicts (2 of 4 stars). 7 submissions from 7 submitters: Benign (2); Likely benign (5). Last evaluated 2026-04-18.

Conditions:
SDHA-related disorder. Also called: SDHA-related disorders; SDHA-related condition.
Hereditary cancer-predisposing syndrome. Also called: Neoplastic Syndromes, Hereditary; Hereditary neoplastic syndrome; Tumor predisposition; Hereditary Cancer Syndrome. Identifiers: Orphanet 140162, MedGen C0027672, MeSH D009386, MONDO:0015356.
Pheochromocytoma/paraganglioma syndrome 5. Also called: Paragangliomas 5; SDHA-Related Hereditary Paraganglioma-Pheochromocytoma Syndrome. Identifiers: Orphanet 29072, MedGen C3279992, MONDO:0013602, OMIM 614165.
Mitochondrial complex II deficiency, nuclear type 1. Also called: SUCCINATE CoQ REDUCTASE DEFICIENCY. Identifiers: Orphanet 3208, MedGen C5700310, MONDO:0100294, OMIM 252011.

Allele frequency attached by ClinVar (database versions not stated): gnomAD 0.00002 and 0.00003; gnomAD exomes 0.00002 and 0.00006; TOPMed 0.00002; ExAC 0.00003.
gnomAD v4.1: 31 of 1,613,918 alleles (0.0019%); highest among the groups gnomAD compares: Admixed American, 0.03%; no homozygotes.

Submissions (7):

PreventionGenetics, part of Exact Sciences
Classification: Likely benign for SDHA-related condition. Last evaluated: 2026-04-18. Review status: criteria provided, single submitter. Criteria: ACMG Guidelines, 2015. Collection method: clinical testing. Allele origin: germline.
Comment: This variant is classified as likely benign based on ACMG/AMP sequence variant interpretation guidelines (Richards et al. 2015 PMID: 25741868, with internal and published modifications).

Labcorp Genetics (formerly Invitae), Labcorp
Classification: Likely benign for Pheochromocytoma/paraganglioma syndrome 5; Mitochondrial complex II deficiency, nuclear type 1. Last evaluated: 2026-01-31. Review status: criteria provided, single submitter. Criteria: Invitae Variant Classification Sherloc (09022015). Collection method: clinical testing. Allele origin: germline.

Myriad Genetics, Inc.
Classification: Benign for Pheochromocytoma/paraganglioma syndrome 5. Last evaluated: 2025-03-10. Review status: criteria provided, single submitter. Criteria: Myriad Autosomal Dominant, Autosomal Recessive and X-Linked Classification Criteria (2023). Collection method: clinical testing. Allele origin: unknown.
Comment: This variant is considered benign. This variant is a silent/synonymous amino acid change and it is not expected to impact splicing.

CeGaT Center for Human Genetics Tuebingen
Classification: Likely benign. Last evaluated: 2024-05-01. Review status: criteria provided, single submitter. Criteria: CeGaT Center For Human Genetics Tuebingen Variant Classification Criteria Version 2. Collection method: clinical testing. Allele origin: germline. Affected: yes. Observed: 1 variant allele.
Comment: SDHA: BP4, BP7

Quest Diagnostics Nichols Institute San Juan Capistrano
Classification: Benign. Last evaluated: 2022-11-10. Review status: criteria provided, single submitter. Criteria: Quest Diagnostics criteria. Collection method: clinical testing. Allele origin: unknown.

Ambry Genetics
Classification: Likely benign for Hereditary cancer-predisposing syndrome. Last evaluated: 2016-08-06. Review status: criteria provided, single submitter. Criteria: Ambry Variant Classification Scheme 2023. Collection method: clinical testing. Allele origin: germline.

GeneDx
Classification: Likely benign. Last evaluated: 2016-07-05. Review status: criteria provided, single submitter. Criteria: GeneDx Variant Classification (06012015). Collection method: clinical testing. Allele origin: germline. Affected: yes.
Comment: This variant is considered likely benign or benign based on one or more of the following criteria: it is a conservative change, it occurs at a poorly conserved position in the protein, it is predicted to be benign by multiple in silico algorithms, and/or has population frequency not consistent with disease.